The following is an entry in ClinVar:

ClinVar aggregate classification (germline): Uncertain significance (1 of 4 stars; one submission).

Allele frequency attached by ClinVar (database versions not stated): gnomAD exomes below 0.00001; ExAC 0.00001.
gnomAD v4.1: 3 of 1,606,404 alleles (0.00019%); highest among the groups gnomAD compares: Non-Finnish European, 0.00026%; no homozygotes.

Submission:

Labcorp Genetics (formerly Invitae), Labcorp
Classification: Uncertain significance. Last evaluated: 2025-05-13. Review status: criteria provided, single submitter. Criteria: Invitae Variant Classification Sherloc (09022015). Collection method: clinical testing. Allele origin: germline.
Comment: This sequence change replaces methionine, which is neutral and non-polar, with leucine, which is neutral and non-polar, at codon 4 of the SMARCB1 protein (p.Met4Leu). This variant is present in population databases (rs772433022, gnomAD 0.0009%). This variant has not been reported in the literature in individuals affected with SMARCB1-related conditions. ClinVar contains an entry for this variant (Variation ID: 2113167). An algorithm developed to predict the effect of missense changes on protein structure and function (PolyPhen-2) suggests that this variant is likely to be tolerated. In summary, the available evidence is currently insufficient to determine the role of this variant in disease. Therefore, it has been classified as a Variant of Uncertain Significance.

NM_003073.5(SMARCB1):c.10A>T (p.Met4Leu)

Gene: SMARCB1 (SWI/SNF related BAF chromatin remodeling complex subunit B1; plus strand). Cytogenetic location: 22q11.23.
Variant type: single nucleotide variant.
Coding change: c.10A>T on transcript NM_003073.5 (MANE Select); coding-DNA position 10, A replaced by T.
Protein change: p.Met4Leu; replaces methionine 4 with leucine.
Molecular consequence: missense variant.
Genome position (GRCh38, 1-based): chr22:23,787,179, A>T. VCF-style: chr22-23787179-A-T. GRCh37 (hg19) VCF-style: chr22-24129366-A-T.
Other names: c.10A>T, p.Met4Leu (NM_001007468.3, NM_001317946.2, NM_001362877.2); short protein forms M4L.
Identifiers: ClinVar variation 2113167 (VCV002113167.4), dbSNP rs772433022, ClinGen allele CA10145814.